The following is an entry in ClinVar:

NM_178565.5(RSPO2):c.57C>T (p.Ser19=)

Genes: RSPO2 (R-spondin 2; minus strand), LOC124174315 (Sharpr-MPRA regulatory region 222; plus strand). Cytogenetic location: 8q23.1.
Variant type: single nucleotide variant.
Coding change: c.57C>T on transcript NM_178565.5 (MANE Select); coding-DNA position 57, C replaced by T.
Protein change: p.Ser19=; no amino-acid change (serine 19 retained).
Molecular consequence: synonymous variant.
Genome position (GRCh38, 1-based): chr8:108,082,582, G>A on the plus strand (C>T on the coding strand, the complement: RSPO2 is on the minus strand). VCF-style: chr8-108082582-G-A. GRCh37 (hg19) VCF-style: chr8-109094810-G-A.
Other names: c.57C>T, p.Ser19= (NM_001282863.2).
Identifiers: ClinVar variation 3054742 (VCV003054742.2), dbSNP rs768980014, ClinGen allele CA4841700.

ClinVar aggregate classification (germline): Likely benign (0 of 4 stars; one submission).

Conditions:
RSPO2-related disorder. Also called: RSPO2-related condition.

gnomAD v4.1: 9 of 1,614,124 alleles (0.00056%); highest among the groups gnomAD compares: Middle Eastern, 0.016%; no homozygotes.

Submission:

PreventionGenetics, part of Exact Sciences
Classification: Likely benign for RSPO2-related condition. Last evaluated: 2020-04-20. Review status: no assertion criteria provided. Collection method: clinical testing. Allele origin: germline.
Comment: This variant is classified as likely benign based on ACMG/AMP sequence variant interpretation guidelines (Richards et al. 2015 PMID: 25741868, with internal and published modifications).